The following is an entry in ClinVar:

NM_018109.4(MTPAP):c.1594C>G (p.Leu532Val)

Gene: MTPAP (mitochondrial poly(A) polymerase; minus strand). Cytogenetic location: 10p11.23.
Variant type: single nucleotide variant.
Coding change: c.1594C>G on transcript NM_018109.4 (MANE Select); coding-DNA position 1594, C replaced by G.
Protein change: p.Leu532Val; replaces leucine 532 with valine.
Molecular consequence: missense variant.
Genome position (GRCh38, 1-based): chr10:30,313,764, G>C on the plus strand (C>G on the coding strand, the complement: MTPAP is on the minus strand). VCF-style: chr10-30313764-G-C. GRCh37 (hg19) VCF-style: chr10-30602693-G-C.
Other names: c.1594C>G (NM_018109.3); short protein forms L532V.
Identifiers: ClinVar variation 2192760 (VCV002192760.5), dbSNP rs1021444031, ClinGen allele CA205300951.

ClinVar aggregate classification (germline): Uncertain significance. Review status: criteria provided, multiple submitters, no conflicts (2 of 4 stars). 2 submissions from 2 submitters: Uncertain significance (2). Last evaluated 2025-10-07.

Conditions:
Inborn genetic diseases. Identifiers: MedGen C0950123, MeSH D030342.

Allele frequency attached by ClinVar (database versions not stated): TOPMed 0.00002.
gnomAD v4.1: 13 of 1,614,104 alleles (0.00081%); highest among the groups gnomAD compares: East Asian, 0.0089%; no homozygotes.

Submissions (2):

Ambry Genetics
Classification: Uncertain significance for Inborn genetic diseases. Last evaluated: 2025-10-07. Review status: criteria provided, single submitter. Criteria: Ambry Variant Classification Scheme 2023. Collection method: clinical testing. Allele origin: germline.

Labcorp Genetics (formerly Invitae), Labcorp
Classification: Uncertain significance. Last evaluated: 2022-04-13. Review status: criteria provided, single submitter. Criteria: Invitae Variant Classification Sherloc (09022015). Collection method: clinical testing. Allele origin: germline.
Comment: This variant has not been reported in the literature in individuals affected with MTPAP-related conditions. Algorithms developed to predict the effect of missense changes on protein structure and function (SIFT, PolyPhen-2, Align-GVGD) all suggest that this variant is likely to be tolerated. In summary, the available evidence is currently insufficient to determine the role of this variant in disease. Therefore, it has been classified as a Variant of Uncertain Significance. This variant is present in population databases (no rsID available, gnomAD 0.006%). This sequence change replaces leucine, which is neutral and non-polar, with valine, which is neutral and non-polar, at codon 532 of the MTPAP protein (p.Leu532Val).